The following is an entry in ClinVar:

ClinVar aggregate classification (germline): Uncertain significance (1 of 4 stars; one submission).

Conditions:
Familial cancer of breast. Also called: Hereditary breast cancer; BREAST CANCER, FAMILIAL; hereditary breast carcinoma. Identifiers: Orphanet 227535, MedGen C0346153, MONDO:0016419, OMIM 114480. Disease mechanism: loss of function.

Submission:

Labcorp Genetics (formerly Invitae), Labcorp
Classification: Uncertain significance for Familial cancer of breast. Last evaluated: 2021-10-01. Review status: criteria provided, single submitter. Criteria: Invitae Variant Classification Sherloc (09022015). Collection method: clinical testing. Allele origin: germline.
Comment: In summary, the available evidence is currently insufficient to determine the role of this variant in disease. Therefore, it has been classified as a Variant of Uncertain Significance. Algorithms developed to predict the effect of missense changes on protein structure and function are either unavailable or do not agree on the potential impact of this missense change (SIFT: "Deleterious"; PolyPhen-2: "Probably Damaging"; Align-GVGD: "Class C0"). This sequence change replaces isoleucine with threonine at codon 374 of the CHEK2 protein (p.Ile374Thr). The isoleucine residue is highly conserved and there is a moderate physicochemical difference between isoleucine and threonine. This variant is not present in population databases (ExAC no frequency). This variant has not been reported in the literature in individuals affected with CHEK2-related conditions.

NM_007194.4(CHEK2):c.1121T>C (p.Ile374Thr)

Gene: CHEK2 (checkpoint kinase 2; minus strand). Cytogenetic location: 22q12.1.
Variant type: single nucleotide variant.
Coding change: c.1121T>C on transcript NM_007194.4 (MANE Select); coding-DNA position 1121, T replaced by C.
Protein change: p.Ile374Thr; replaces isoleucine 374 with threonine.
Molecular consequence: missense variant.
Genome position (GRCh38, 1-based): chr22:28,695,848, A>G on the plus strand (T>C on the coding strand, the complement: CHEK2 is on the minus strand). VCF-style: chr22-28695848-A-G. GRCh37 (hg19) VCF-style: chr22-29091836-A-G.
Other names: c.1250T>C, p.Ile417Thr (NM_001005735.3); c.458T>C, p.Ile153Thr (NM_001257387.3); c.920T>C, p.Ile307Thr (NM_001349956.3); c.1034T>C, p.Ile345Thr (NM_145862.3); short protein forms I153T, I307T, I374T, I345T, I417T.
Identifiers: ClinVar variation 1383993 (VCV001383993.7), dbSNP rs2145806352, ClinGen allele CA411097070.
Genomic context (GRCh38, chr22:28,695,848, plus strand): 5'-TCAGGCGCCAAGTAGGTGGGGGTTCCACATAAGGTTCTCATGAGAGAGGTCTCTCCCAAA[A>G]TCTTGGAGTGCCCAAAATCAGTAATCTAAAATTCAGTACAAAAGGGAATAATGTTGAACT-3'
Protein context (NP_009125.1, residues 364-384): IKITDFGHSK[Ile374Thr]LGETSLMRTL